The following is an entry in ClinVar:

NM_001365999.1(SZT2):c.656G>A (p.Gly219Glu)

Gene: SZT2 (SZT2 subunit of KICSTOR complex; plus strand). Cytogenetic location: 1p34.2.
Variant type: single nucleotide variant.
Coding change: c.656G>A on transcript NM_001365999.1 (MANE Select); coding-DNA position 656, G replaced by A.
Protein change: p.Gly219Glu; replaces glycine 219 with glutamic acid.
Molecular consequence: missense variant.
Genome position (GRCh38, 1-based): chr1:43,415,985, G>A. VCF-style: chr1-43415985-G-A. GRCh37 (hg19) VCF-style: chr1-43881656-G-A.
Other names: c.656G>A, p.Gly219Glu (NM_015284.4); short protein forms G219E.
Identifiers: ClinVar variation 655779 (VCV000655779.8), dbSNP rs1570606444, ClinGen allele CA340001899.
Genomic context (GRCh38, chr1:43,415,985, plus strand): 5'-CTGCCCCATTCTGTCTTTTCTGTAACTTGGGGCAGGCAGAAGACCAGTCCCCAGACTCAG[G>A]GGACCTACTGGGCCGGAAGGTAGGCGTCTCCATGGTGACAGCTGATCTTGGGCTGGTCAG-3'
Protein context (NP_001352928.1, residues 209-229): SQAEDQSPDS[Gly219Glu]DLLGRKVGVS

ClinVar aggregate classification (germline): Uncertain significance (1 of 4 stars; one submission).

Submission:

Labcorp Genetics (formerly Invitae), Labcorp
Classification: Uncertain significance. Last evaluated: 2024-01-19. Review status: criteria provided, single submitter. Criteria: Invitae Variant Classification Sherloc (09022015). Collection method: clinical testing. Allele origin: germline.
Comment: This sequence change replaces glycine, which is neutral and non-polar, with glutamic acid, which is acidic and polar, at codon 219 of the SZT2 protein (p.Gly219Glu). This variant is not present in population databases (gnomAD no frequency). This variant has not been reported in the literature in individuals affected with SZT2-related conditions. ClinVar contains an entry for this variant (Variation ID: 655779). Advanced modeling of protein sequence and biophysical properties (such as structural, functional, and spatial information, amino acid conservation, physicochemical variation, residue mobility, and thermodynamic stability) performed at Invitae indicates that this missense variant is not expected to disrupt SZT2 protein function with a negative predictive value of 80%. In summary, the available evidence is currently insufficient to determine the role of this variant in disease. Therefore, it has been classified as a Variant of Uncertain Significance.